The following is an entry in ClinVar:

NM_001371623.1(TCOF1):c.2T>C (p.Met1Thr)

Genes: TCOF1 (treacle ribosome biogenesis factor 1; plus strand), LOC129994985 (ATAC-STARR-seq lymphoblastoid silent region 16507; plus strand). Cytogenetic location: 5q32.
Variant type: single nucleotide variant.
Coding change: c.2T>C on transcript NM_001371623.1 (MANE Select); coding-DNA position 2, T replaced by C.
Protein change: p.Met1Thr; changes the start codon (methionine 1).
Molecular consequence: missense variant, initiator codon variant.
Genome position (GRCh38, 1-based): chr5:150,357,748, T>C. VCF-style: chr5-150357748-T-C. GRCh37 (hg19) VCF-style: chr5-149737311-T-C.
Other names: c.2T>C, p.Met1Thr (NM_000356.4, NM_001008657.3, NM_001135243.2 and 3 more transcripts); short protein forms M1T.
Identifiers: ClinVar variation 3603184 (VCV003603184.2).

ClinVar aggregate classification (germline): Pathogenic (1 of 4 stars; one submission).

Submission:

GeneDx
Classification: Pathogenic. Last evaluated: 2025-02-13. Review status: criteria provided, single submitter. Criteria: GeneDx Variant Classification Process June 2021. Collection method: clinical testing. Allele origin: germline.
Comment: Initiation codon variant in a gene for which loss of function is a known mechanism of disease; Not observed at significant frequency in large population cohorts (gnomAD); Has not been previously published as pathogenic or benign to our knowledge